The following is an entry in ClinVar:

NM_001042750.2(STAG2):c.2097-3C>A

Gene: STAG2 (STAG2 cohesin complex component; plus strand). Cytogenetic location: Xq25.
Variant type: single nucleotide variant.
Coding change: c.2097-3C>A on transcript NM_001042750.2 (MANE Select); 3 bases into the intron before coding-DNA position 2097, C replaced by A.
Molecular consequence: intron variant.
Genome position (GRCh38, 1-based): chrX:124,066,172, C>A. VCF-style: chrX-124066172-C-A. GRCh37 (hg19) VCF-style: chrX-123200022-C-A.
Other names: c.2097-3C>A (NM_001042749.2, NM_001375366.1, NM_001375373.1 and 13 more transcripts).
Identifiers: ClinVar variation 3044480 (VCV003044480.3), dbSNP rs2058522765, ClinGen allele CA1137017960.

ClinVar aggregate classification (germline): Uncertain significance. Review status: criteria provided, single submitter (1 of 4 stars). 2 submissions from 2 submitters: Uncertain significance (1). 1 of the submissions does not count toward it.

Conditions:
Mullegama-Klein-Martinez syndrome. Also called: NEURODEVELOPMENTAL DISORDER, X-LINKED, WITH CRANIOFACIAL ABNORMALITIES. Identifiers: MedGen C5193008, MONDO:0026722, OMIM 301022.
STAG2-related disorder. Also called: STAG2-Related Disorders.

Submissions (2):

Neuberg Centre For Genomic Medicine, NCGM
Classification: Uncertain significance for Mullegama-Klein-Martinez syndrome. Review status: criteria provided, single submitter. Criteria: ACMG Guidelines, 2015. Collection method: clinical testing. Allele origin: germline. Inheritance: X-linked inheritance. Affected: yes.
Comment: The observed splice region variant c.2097-3C>A in STAG2 gene has not been reported previously as a pathogenic variant nor as a benign variant, to our knowledge. The c.2097-3C>A variant is absent in gnomAD Exomes database. This variant has not been submitted to the ClinVar database. This variant is present on position 226 of 228 on intron 21 of 34 in STAG2 gene, and the splice site is located 3 bases downstream of this variant. Additional studies will be required to prove the pathogenicity of this variant. For these reasons, this variant has been classified as a Variant of Uncertain Significance (VUS).

PreventionGenetics, part of Exact Sciences
Classification: Likely benign for STAG2-related condition. Last evaluated: 2021-05-10. Review status: no assertion criteria provided. Collection method: clinical testing. Allele origin: germline. Not counted in ClinVar's aggregate classification.
Comment: This variant is classified as likely benign based on ACMG/AMP sequence variant interpretation guidelines (Richards et al. 2015 PMID: 25741868, with internal and published modifications).